The following is an entry in ClinVar:

ClinVar aggregate classification (germline): Uncertain significance (1 of 4 stars; one submission).

Submission:

CeGaT Center for Human Genetics Tuebingen
Classification: Uncertain significance. Last evaluated: 2025-11-01. Review status: criteria provided, single submitter. Criteria: CeGaT Center For Human Genetics Tuebingen Variant Classification Criteria Version 2. Collection method: clinical testing. Allele origin: germline. Affected: yes. Observed: 1 variant allele.
Comment: LAS1L: PM2

NM_031206.7(LAS1L):c.1685ATG[1] (p.Asp563del)

Gene: LAS1L (LAS1 like ribosome biogenesis factor; minus strand). Cytogenetic location: Xq12.
Variant type: Microsatellite.
Coding change: c.1685ATG[1] on transcript NM_031206.7 (MANE Select); one copy of the 3-base unit ATG starting at c.1685; the reference has two copies in a row; one copy, 3 bases deleted.
Protein change: p.Asp563del; deletes aspartic acid 563.
Molecular consequence: inframe deletion. On other transcripts: non-coding transcript variant (3).
Genome position (GRCh38, 1-based): chrX:65,518,224-65,518,226, CAT deleted on the plus strand (ATG on the coding strand, the reverse complement: LAS1L is on the minus strand); deleting any 3 consecutive bases within chrX:65,518,224-65,518,229 gives the same sequence; the position shown is the placement nearest the transcript's 3' end. VCF-style (leftmost placement, unchanged base first): chrX-65518223-ACAT-A. GRCh37 (hg19) VCF-style: chrX-64738103-ACAT-A.
Other names: c.1634ATG[1], p.Asp546del (NM_001170649.2, NM_001375333.1); c.1508ATG[1], p.Asp504del (NM_001170650.2); c.1685ATG[1], p.Asp563del (NM_001375328.1); c.728ATG[1], p.Asp244del (NM_001375332.1); short protein forms D244del, D504del, D546del, D563del.
Identifiers: ClinVar variation 4535279 (VCV004535279.6).